The following is an entry in ClinVar:

NM_018010.4(IFT57):c.274G>T (p.Ala92Ser)

Gene: IFT57 (intraflagellar transport 57; minus strand). Cytogenetic location: 3q13.13.
Variant type: single nucleotide variant.
Coding change: c.274G>T on transcript NM_018010.4 (MANE Select); coding-DNA position 274, G replaced by T.
Protein change: p.Ala92Ser; replaces alanine 92 with serine.
Molecular consequence: missense variant.
Genome position (GRCh38, 1-based): chr3:108,219,511, C>A on the plus strand (G>T on the coding strand, the complement: IFT57 is on the minus strand). VCF-style: chr3-108219511-C-A. GRCh37 (hg19) VCF-style: chr3-107938358-C-A.
Other names: short protein forms A92S.
Identifiers: ClinVar variation 2062834 (VCV002062834.4), dbSNP rs143996667, ClinGen allele CA2526770.

ClinVar aggregate classification (germline): Uncertain significance (1 of 4 stars; one submission).

Allele frequency attached by ClinVar (database versions not stated): gnomAD exomes 0.00012; ExAC 0.00014; gnomAD 0.00017; TOPMed 0.00020.
gnomAD v4.1: 202 of 1,613,820 alleles (0.013%); highest among the groups gnomAD compares: Admixed American, 0.022%; no homozygotes.

Submission:

Labcorp Genetics (formerly Invitae), Labcorp
Classification: Uncertain significance. Last evaluated: 2025-12-31. Review status: criteria provided, single submitter. Criteria: Invitae Variant Classification Sherloc (09022015). Collection method: clinical testing. Allele origin: germline.
Comment: This sequence change replaces alanine, which is neutral and non-polar, with serine, which is neutral and polar, at codon 92 of the IFT57 protein (p.Ala92Ser). This variant is present in population databases (rs143996667, gnomAD 0.03%). This variant has not been reported in the literature in individuals affected with IFT57-related conditions. ClinVar contains an entry for this variant (Variation ID: 2062834). An algorithm developed to predict the effect of missense changes on protein structure and function (PolyPhen-2) suggests that this variant is likely to be tolerated. In summary, the available evidence is currently insufficient to determine the role of this variant in disease. Therefore, it has been classified as a Variant of Uncertain Significance.